The following is an entry in ClinVar:

NM_016222.4(DDX41):c.487G>C (p.Val163Leu)

Gene: DDX41 (DEAD-box helicase 41; minus strand). Cytogenetic location: 5q35.3.
Variant type: single nucleotide variant.
Coding change: c.487G>C on transcript NM_016222.4 (MANE Select); coding-DNA position 487, G replaced by C.
Protein change: p.Val163Leu; replaces valine 163 with leucine.
Molecular consequence: missense variant.
Genome position (GRCh38, 1-based): chr5:177,515,769, C>G on the plus strand (G>C on the coding strand, the complement: DDX41 is on the minus strand). VCF-style: chr5-177515769-C-G. GRCh37 (hg19) VCF-style: chr5-176942770-C-G.
Other names: c.109G>C, p.Val37Leu (NM_001321732.2, NM_001321830.2); short protein forms V37L, V163L.
Identifiers: ClinVar variation 4010331 (VCV004010331.1).

ClinVar aggregate classification (germline): Uncertain significance (1 of 4 stars; one submission).

Conditions:
Inborn genetic diseases. Identifiers: MedGen C0950123, MeSH D030342.

Submission:

Ambry Genetics
Classification: Uncertain significance for Inborn genetic diseases. Last evaluated: 2025-05-16. Review status: criteria provided, single submitter. Criteria: Ambry Variant Classification Scheme 2023. Collection method: clinical testing. Allele origin: germline.
Comment: The p.V163L variant (also known as c.487G>C), located in coding exon 6 of the DDX41 gene, results from a G to C substitution at nucleotide position 487. The valine at codon 163 is replaced by leucine, an amino acid with highly similar properties. This amino acid position is highly conserved in available vertebrate species. In addition, this alteration is predicted to be tolerated by in silico analysis. Based on the available evidence, the clinical significance of this variant remains unclear.